The following is an entry in ClinVar:

NM_000112.4(SLC26A2):c.1720_1721insCTAAGCCAGGCATCAAGATTTTCCGCTTTGTAGCCCCTCTCTACTACAGA (p.Ile574fs)

Gene: SLC26A2 (solute carrier family 26 member 2; plus strand). Cytogenetic location: 5q32.
Variant type: Insertion.
Coding change: c.1720_1721insCTAAGCCAGGCATCAAGATTTTCCGCTTTGTAGCCCCTCTCTACTACAGA on transcript NM_000112.4 (MANE Select); coding-DNA positions 1720 to 1721, CTAAGCCAGGCATCAAGATTTTCCGCTTTGTAGCCCCTCTCTACTACAGA inserted.
Protein change: p.Ile574fs; shifts the reading frame from isoleucine 574.
Molecular consequence: frameshift variant.
Genome position: GRCh38: chr5:149,981,313-149,981,314. GRCh37 (hg19): chr5:149,360,876-149,360,877.
Other names: short protein forms I574fs.
Identifiers: ClinVar variation 2953745 (VCV002953745.3), dbSNP rs2480776768, ClinGen allele CA2740094149.

ClinVar aggregate classification (germline): Pathogenic (1 of 4 stars; one submission).

Conditions:
Atelosteogenesis type II (AO2). Also called: SLC26A2-Related Atelosteogenesis; NEONATAL OSSEOUS DYSPLASIA I; Neonatal osseous dysplasia 1. Identifiers: Orphanet 56304, MedGen C1850554, MONDO:0009727, OMIM 256050.
Diastrophic dysplasia (DTD). Also called: Diastrophic dwarfism. Identifiers: Orphanet 628, MedGen C0220726, MONDO:0009107, OMIM 222600.
Multiple epiphyseal dysplasia type 4 (EDM4). Also called: Multiple Epiphyseal Dysplasia, Recessive; MULTIPLE EPIPHYSEAL DYSPLASIA WITH BILAYERED PATELLAE; MULTIPLE EPIPHYSEAL DYSPLASIA WITH CLUBFOOT; MULTIPLE EPIPHYSEAL DYSPLASIA, AUTOSOMAL RECESSIVE; SLC26A2-Related Multiple Epiphyseal Dysplasia. Identifiers: Orphanet 93307, MedGen C1847593, MONDO:0009189, OMIM 226900.
Achondrogenesis, type IB (ACG1B). Also called: Achondrogenesis Type 1B. Identifiers: Orphanet 932, Orphanet 93298, MedGen C0265274, MONDO:0010966, OMIM 600972.

Submission:

Labcorp Genetics (formerly Invitae), Labcorp
Classification: Pathogenic for Atelosteogenesis type II; Multiple epiphyseal dysplasia type 4; Achondrogenesis, type IB; Diastrophic dysplasia. Last evaluated: 2023-11-10. Review status: criteria provided, single submitter. Criteria: Invitae Variant Classification Sherloc (09022015). Collection method: clinical testing. Allele origin: germline.
Comment: This sequence change creates a premature translational stop signal (p.Ile574Thrfs*28) in the SLC26A2 gene. While this is not anticipated to result in nonsense mediated decay, it is expected to disrupt the last 166 amino acid(s) of the SLC26A2 protein. This variant is not present in population databases (gnomAD no frequency). This variant has not been reported in the literature in individuals affected with SLC26A2-related conditions. This variant disrupts a region of the SLC26A2 protein in which other variant(s) (p.Lys575Serfs*10) have been determined to be pathogenic (PMID: 7923357, 8528239, 8571951). This suggests that this is a clinically significant region of the protein, and that variants that disrupt it are likely to be disease-causing. For these reasons, this variant has been classified as Pathogenic.

Literature cited by the submitters: PubMed 7923357; PubMed 8528239; PubMed 8571951.